The following is an entry in ClinVar:

ClinVar aggregate classification (germline): Uncertain significance (1 of 4 stars; one submission).

Conditions:
Neuronal ceroid lipofuscinosis 7 (CLN7). Also called: MFSD8-Related Neuronal Ceroid-Lipofuscinosis. Identifiers: Orphanet 168491, Orphanet 228366, MedGen C1838571, MONDO:0012588, OMIM 610951.

Submission:

Labcorp Genetics (formerly Invitae), Labcorp
Classification: Uncertain significance for Neuronal ceroid lipofuscinosis 7. Last evaluated: 2021-01-02. Review status: criteria provided, single submitter. Criteria: Invitae Variant Classification Sherloc (09022015). Collection method: clinical testing. Allele origin: germline.
Comment: This sequence change replaces asparagine with threonine at codon 6 of the MFSD8 protein (p.Asn6Thr). The asparagine residue is weakly conserved and there is a small physicochemical difference between asparagine and threonine. In summary, the available evidence is currently insufficient to determine the role of this variant in disease. Therefore, it has been classified as a Variant of Uncertain Significance. Algorithms developed to predict the effect of missense changes on protein structure and function output the following: SIFT: "Tolerated"; PolyPhen-2: "Benign"; Align-GVGD: "Class C0". The threonine amino acid residue is found in multiple mammalian species, suggesting that this missense change does not adversely affect protein function. These predictions have not been confirmed by published functional studies and their clinical significance is uncertain. This variant has not been reported in the literature in individuals with MFSD8-related conditions. This variant is not present in population databases (ExAC no frequency).

NM_001371596.2(MFSD8):c.17A>C (p.Asn6Thr)

Gene: MFSD8 (major facilitator superfamily domain containing 8; minus strand). Cytogenetic location: 4q28.2.
Variant type: single nucleotide variant.
Coding change: c.17A>C on transcript NM_001371596.2 (MANE Select); coding-DNA position 17, A replaced by C.
Protein change: p.Asn6Thr; replaces asparagine 6 with threonine.
Molecular consequence: missense variant. On other transcripts: 5 prime UTR variant (1), intron variant (2).
Genome position (GRCh38, 1-based): chr4:127,965,117, T>G on the plus strand (A>C on the coding strand, the complement: MFSD8 is on the minus strand). VCF-style: chr4-127965117-T-G. GRCh37 (hg19) VCF-style: chr4-128886272-T-G.
Other names: c.17A>C, p.Asn6Thr (NM_001363520.3, NM_001363521.3, NM_001371591.2 and 5 more transcripts); c.-117A>C (NM_001371595.1); c.-74+780A>C (NM_001410765.1, NM_001371590.2); short protein forms N6T.
Identifiers: ClinVar variation 1440216 (VCV001440216.9), dbSNP rs2149008801, ClinGen allele CA358165944.